The following is an entry in ClinVar:

NM_001369.3(DNAH5):c.8153A>G (p.Gln2718Arg)

Gene: DNAH5 (dynein axonemal heavy chain 5; minus strand). Cytogenetic location: 5p15.2.
Variant type: single nucleotide variant.
Coding change: c.8153A>G on transcript NM_001369.3 (MANE Select); coding-DNA position 8153, A replaced by G.
Protein change: p.Gln2718Arg; replaces glutamine 2718 with arginine.
Molecular consequence: missense variant.
Genome position (GRCh38, 1-based): chr5:13,793,586, T>C on the plus strand (A>G on the coding strand, the complement: DNAH5 is on the minus strand). VCF-style: chr5-13793586-T-C. GRCh37 (hg19) VCF-style: chr5-13793695-T-C.
Other names: short protein forms Q2718R.
Identifiers: ClinVar variation 2431425 (VCV002431425.1), dbSNP rs1757348928, ClinGen allele CA359221235.

ClinVar aggregate classification (germline): Uncertain significance (1 of 4 stars; one submission).

Conditions:
Primary ciliary dyskinesia 3. Identifiers: Orphanet 244, MedGen C1837618, MONDO:0012085, OMIM 608644.

Submission:

Laboratorio de Genetica e Diagnostico Molecular, Hospital Israelita Albert Einstein
Classification: Uncertain significance for Primary ciliary dyskinesia 3. Last evaluated: 2022-07-08. Review status: criteria provided, single submitter. Criteria: ACMG Guidelines, 2015. Collection method: clinical testing. Allele origin: germline. Affected: yes. Observed: 1 variant allele.
Comment: ACMG classification criteria: PM2 moderated, BP4 supporting